The following is an entry in ClinVar:

ClinVar aggregate classification (germline): Uncertain significance (1 of 4 stars; one submission).

gnomAD v4.1: 106 of 1,551,176 alleles (0.0068%); highest among the groups gnomAD compares: Middle Eastern, 0.05%; 1 homozygote.

Submission:

Labcorp Genetics (formerly Invitae), Labcorp
Classification: Uncertain significance. Last evaluated: 2026-01-07. Review status: criteria provided, single submitter. Criteria: Invitae Variant Classification Sherloc (09022015). Collection method: clinical testing. Allele origin: germline.
Comment: This sequence change replaces threonine, which is neutral and polar, with methionine, which is neutral and non-polar, at codon 356 of the GREB1L protein (p.Thr356Met). This variant is present in population databases (rs369888713, gnomAD 0.01%). This variant has not been reported in the literature in individuals affected with GREB1L-related conditions. An algorithm developed to predict the effect of missense changes on protein structure and function (PolyPhen-2) suggests that this variant is likely to be tolerated. In summary, the available evidence is currently insufficient to determine the role of this variant in disease. Therefore, it has been classified as a Variant of Uncertain Significance.

NM_001142966.3(GREB1L):c.1067C>T (p.Thr356Met)

Genes: GREB1L (GREB1 like retinoic acid receptor coactivator; plus strand), GREB1L-AS1 (GREB1L antisense RNA 1; minus strand). Cytogenetic location: 18q11.1.
Variant type: single nucleotide variant.
Coding change: c.1067C>T on transcript NM_001142966.3 (MANE Select); coding-DNA position 1067, C replaced by T.
Protein change: p.Thr356Met; replaces threonine 356 with methionine.
Molecular consequence: missense variant.
Genome position (GRCh38, 1-based): chr18:21,440,386, C>T. VCF-style: chr18-21440386-C-T. GRCh37 (hg19) VCF-style: chr18-19020347-C-T.
Other names: c.1196C>T, p.Thr399Met (NM_001410867.1); c.1067C>T, p.Thr356Met (NM_001410868.1); short protein forms T356M, T399M.
Identifiers: ClinVar variation 4740203 (VCV004740203.1).
Genomic context (GRCh38, chr18:21,440,386, plus strand): 5'-CACCTCTCCCCCAACCTGGCTTAGTTGTACCTGTCCCTACAGTTCGCCCTCTTTCAAGAA[C>T]GGGTAAGATTTTAACAGAAGATGGATTGTAAGTGTGTTTTTAATTAGCAGAGATATCTTC-3'
Protein context (NP_001136438.1, residues 346-366): PVPTVRPLSR[Thr356Met]EPLLSAPVPQ